The following is an entry in ClinVar:

ClinVar aggregate classification (germline): Pathogenic (1 of 4 stars; one submission).

Conditions:
Glutaric acidemia type 2C.

Submission:

Natera, Inc.
Classification: Pathogenic for Glutaric acidemia type 2C. Last evaluated: 2025-02-16. Review status: criteria provided, single submitter. Criteria: Natera Variant Classification Schema (03/2026). Collection method: clinical testing. Allele origin: germline.
Comment: The c.831+2T>C variant in ETFDH is a canonical splice donor site variant predicted to affect pre-mRNA splicing, which may result in an abnormal transcript and altered protein product. This variant is expected to result in nonsense mediated decay, truncation, or a dysfunctional protein product. This variant is rare in the general population with a frequency below the threshold expected for the associated phenotype(s). This variant has been observed in one or more individuals affected with the associated recessive disease, as either homozygous or compound heterozygous with a second variant (PMID: 31852447, 24522293). Given the available evidence, this variant is classified as Pathogenic.

Literature cited by the submitters: PubMed 31852447; PubMed 24522293.

NM_004453.4(ETFDH):c.831+2T>C

Gene: ETFDH (electron transfer flavoprotein dehydrogenase; plus strand). Cytogenetic location: 4q32.1.
Variant type: single nucleotide variant.
Coding change: c.831+2T>C on transcript NM_004453.4 (MANE Select); the canonical splice donor site of the intron after coding-DNA position 831, T replaced by C.
Molecular consequence: splice donor variant.
Genome position (GRCh38, 1-based): chr4:158,695,645, T>C. VCF-style: chr4-158695645-T-C. GRCh37 (hg19) VCF-style: chr4-159616797-T-C.
Other names: c.690+2T>C (NM_001281737.2); c.648+2T>C (NM_001281738.1).
Identifiers: ClinVar variation 4067465 (VCV004067465.2).